The following is an entry in ClinVar:

NM_033118.4(MYLK2):c.772+8A>T

Gene: MYLK2 (myosin light chain kinase 2; plus strand). Cytogenetic location: 20q11.21.
Variant type: single nucleotide variant.
Coding change: c.772+8A>T on transcript NM_033118.4 (MANE Select); 8 bases into the intron after coding-DNA position 772, A replaced by T.
Molecular consequence: intron variant.
Genome position (GRCh38, 1-based): chr20:31,821,745, A>T. VCF-style: chr20-31821745-A-T. GRCh37 (hg19) VCF-style: chr20-30409548-A-T.
Identifiers: ClinVar variation 3040783 (VCV003040783.2), dbSNP rs1401073137, ClinGen allele CA1016908228.

ClinVar aggregate classification (germline): Likely benign (0 of 4 stars; one submission).

Conditions:
MYLK2-related disorder. Also called: MYLK2-related condition.

Submission:

PreventionGenetics, part of Exact Sciences
Classification: Likely benign for MYLK2-related condition. Last evaluated: 2019-10-31. Review status: no assertion criteria provided. Collection method: clinical testing. Allele origin: germline.
Comment: This variant is classified as likely benign based on ACMG/AMP sequence variant interpretation guidelines (Richards et al. 2015 PMID: 25741868, with internal and published modifications).